The following is an entry in ClinVar:

NM_001035.3(RYR2):c.12603G>T (p.Gln4201His)

Genes: RYR2 (ryanodine receptor 2; plus strand), LOC126806068 (BRD4-independent group 4 enhancer GRCh37_chr1:237947411-237948610; plus strand). Cytogenetic location: 1q43.
Variant type: single nucleotide variant.
Coding change: c.12603G>T on transcript NM_001035.3 (MANE Select); coding-DNA position 12603, G replaced by T.
Protein change: p.Gln4201His; replaces glutamine 4201 with histidine.
Molecular consequence: missense variant.
Genome position (GRCh38, 1-based): chr1:237,784,315, G>T. VCF-style: chr1-237784315-G-T. GRCh37 (hg19) VCF-style: chr1-237947615-G-T.
Other names: short protein forms Q4201H.
Identifiers: ClinVar variation 1472640 (VCV001472640.7), dbSNP rs2149354441, ClinGen allele CA345413730.

ClinVar aggregate classification (germline): Pathogenic (1 of 4 stars; one submission).

Conditions:
Catecholaminergic polymorphic ventricular tachycardia 1. Also called: VENTRICULAR TACHYCARDIA, CATECHOLAMINERGIC POLYMORPHIC, 1, WITH OR WITHOUT ATRIAL DYSFUNCTION AND/OR DILATED CARDIOMYOPATHY; RYR2-Related Catecholaminergic Polymorphic Ventricular Tachycardia; VENTRICULAR TACHYCARDIA, STRESS-INDUCED POLYMORPHIC 1. Identifiers: Orphanet 3286, MedGen C1631597, MONDO:0011484, OMIM 604772.

Submission:

Labcorp Genetics (formerly Invitae), Labcorp
Classification: Pathogenic for Catecholaminergic polymorphic ventricular tachycardia 1. Last evaluated: 2023-11-13. Review status: criteria provided, single submitter. Criteria: Invitae Variant Classification Sherloc (09022015). Collection method: clinical testing. Allele origin: germline.
Comment: This sequence change replaces glutamine, which is neutral and polar, with histidine, which is basic and polar, at codon 4201 of the RYR2 protein (p.Gln4201His). This variant is not present in population databases (gnomAD no frequency). This missense change has been observed in individual(s) with sudden cardiac arrest (Invitae). In at least one individual the variant was observed to be de novo. ClinVar contains an entry for this variant (Variation ID: 1472640). Advanced modeling of protein sequence and biophysical properties (such as structural, functional, and spatial information, amino acid conservation, physicochemical variation, residue mobility, and thermodynamic stability) performed at Invitae indicates that this missense variant is expected to disrupt RYR2 protein function with a positive predictive value of 95%. This variant disrupts the p.Gln4201 amino acid residue in RYR2. Other variant(s) that disrupt this residue have been determined to be pathogenic (PMID: 11157710, 15197150, 16239587, 18092949). This suggests that this residue is clinically significant, and that variants that disrupt this residue are likely to be disease-causing. For these reasons, this variant has been classified as Pathogenic.

Literature cited by the submitters: PubMed 11157710; PubMed 15197150; PubMed 16239587; PubMed 18092949.